The following is an entry in ClinVar:

NM_032444.4(SLX4):c.3434T>C (p.Leu1145Pro)

Gene: SLX4 (SLX4 structure-specific endonuclease subunit; minus strand). Cytogenetic location: 16p13.3.
Variant type: single nucleotide variant.
Coding change: c.3434T>C on transcript NM_032444.4 (MANE Select); coding-DNA position 3434, T replaced by C.
Protein change: p.Leu1145Pro; replaces leucine 1145 with proline.
Molecular consequence: missense variant.
Genome position (GRCh38, 1-based): chr16:3,590,204, A>G on the plus strand (T>C on the coding strand, the complement: SLX4 is on the minus strand). VCF-style: chr16-3590204-A-G. GRCh37 (hg19) VCF-style: chr16-3640205-A-G.
Other names: short protein forms L1145P.
Identifiers: ClinVar variation 1347596 (VCV001347596.8), dbSNP rs759560028, ClinGen allele CA7865921.

ClinVar aggregate classification (germline): Uncertain significance (1 of 4 stars; one submission).

Conditions:
Fanconi anemia (FA). Also called: Fanconi's anemia. Identifiers: Orphanet 84, MedGen C0015625, MeSH D005199, MONDO:0019391.

Allele frequency attached by ClinVar (database versions not stated): gnomAD exomes below 0.00001; ExAC 0.00001.

Submission:

Labcorp Genetics (formerly Invitae), Labcorp
Classification: Uncertain significance for Fanconi anemia. Last evaluated: 2022-11-24. Review status: criteria provided, single submitter. Criteria: Invitae Variant Classification Sherloc (09022015). Collection method: clinical testing. Allele origin: germline.
Comment: In summary, the available evidence is currently insufficient to determine the role of this variant in disease. Therefore, it has been classified as a Variant of Uncertain Significance. Algorithms developed to predict the effect of missense changes on protein structure and function are either unavailable or do not agree on the potential impact of this missense change (SIFT: "Deleterious"; PolyPhen-2: "Benign"; Align-GVGD: "Class C0"). ClinVar contains an entry for this variant (Variation ID: 1347596). This variant has not been reported in the literature in individuals affected with SLX4-related conditions. This variant is present in population databases (rs759560028, gnomAD 0.0009%). This sequence change replaces leucine, which is neutral and non-polar, with proline, which is neutral and non-polar, at codon 1145 of the SLX4 protein (p.Leu1145Pro).